The following is an entry in ClinVar:

ClinVar aggregate classification (germline): Uncertain significance (1 of 4 stars; one submission).

Conditions:
Myoclonic dystonia 11 (DYT11). Also called: Myoclonic dystonia; Dystonia 11; Dystonia, alcohol responsive; Hereditary essential myoclonus; SGCE Myoclonus-Dystonia; Myoclonus-Dystonia. Identifiers: Orphanet 36899, MedGen C1834570, MONDO:0008044, OMIM 159900.

gnomAD v4.1: 1 of 1,612,988 alleles (0.000062%); highest among the groups gnomAD compares: Non-Finnish European, 0.000085%; no homozygotes.

Submission:

Labcorp Genetics (formerly Invitae), Labcorp
Classification: Uncertain significance for Myoclonic dystonia 11. Last evaluated: 2023-10-13. Review status: criteria provided, single submitter. Criteria: Invitae Variant Classification Sherloc (09022015). Collection method: clinical testing. Allele origin: germline.
Comment: This sequence change replaces leucine, which is neutral and non-polar, with valine, which is neutral and non-polar, at codon 358 of the SGCE protein (p.Leu358Val). This variant is not present in population databases (gnomAD no frequency). This variant has not been reported in the literature in individuals affected with SGCE-related conditions. Advanced modeling of protein sequence and biophysical properties (such as structural, functional, and spatial information, amino acid conservation, physicochemical variation, residue mobility, and thermodynamic stability) performed at Invitae indicates that this missense variant is not expected to disrupt SGCE protein function. In summary, the available evidence is currently insufficient to determine the role of this variant in disease. Therefore, it has been classified as a Variant of Uncertain Significance.

NM_003919.3(SGCE):c.1072C>G (p.Leu358Val)

Genes: CASD1 (CAS1 domain sialic acid O acetyltransferase 1; plus strand), SGCE (sarcoglycan epsilon; minus strand). Cytogenetic location: 7q21.3.
Variant type: single nucleotide variant.
Coding change: c.1072C>G on transcript NM_003919.3 (MANE Select); coding-DNA position 1072, C replaced by G.
Protein change: p.Leu358Val; replaces leucine 358 with valine.
Molecular consequence: missense variant.
Genome position (GRCh38, 1-based): chr7:94,598,956, G>C on the plus strand (C>G on the coding strand, the complement: SGCE is on the minus strand). VCF-style: chr7-94598956-G-C. GRCh37 (hg19) VCF-style: chr7-94228268-G-C.
Other names: c.1045C>G, p.Leu349Val (NM_001099400.2, NM_001346717.2); c.1072C>G, p.Leu358Val (NM_001099401.2); c.949C>G, p.Leu317Val (NM_001301139.2); c.1180C>G, p.Leu394Val (NM_001346713.2); c.1153C>G, p.Leu385Val (NM_001346715.2); c.985C>G, p.Leu329Val (NM_001346719.2); c.799C>G, p.Leu267Val (NM_001346720.2); c.958C>G, p.Leu320Val (NM_001362807.2); and 2 more; short protein forms L258V, L329V, L308V, L320V, L394V, L317V, L349V, L358V.
Identifiers: ClinVar variation 2790679 (VCV002790679.3), dbSNP rs139062360, ClinGen allele CA368229414.
Genomic context (GRCh38, chr7:94,598,956, plus strand): 5'-TATTCTTGGACATGTCTCGAAGCTCCTTGGTAGATTTCTGAATAGCACTGTGATGGACCA[G>C]TTGGATGCTAGGTCAAAAAGAAATAAAACAACATATATTTAAAATCATATATTAGCCTGA-3'
Protein context (NP_003910.1, residues 348-368): KRNMQTPDIQ[Leu358Val]VHHSAIQKST